The following is an entry in ClinVar:

ClinVar aggregate classification (germline): Uncertain significance (1 of 4 stars; one submission).

Submission:

Quest Diagnostics Nichols Institute San Juan Capistrano
Classification: Uncertain significance. Last evaluated: 2024-03-29. Review status: criteria provided, single submitter. Criteria: Quest Diagnostics criteria. Collection method: clinical testing. Allele origin: unknown.
Comment: The HBB c.-140C>A variant, to the best of our knowledge, has not been reported in the published literature. Based on the available information, we are unable to determine the clinical significance of this variant. Testing affected family members could help clarify the clinical significance of this variant. Genetic counseling is recommended.

NM_000518.4(HBB):c.-140C>A

Genes: HBB (hemoglobin subunit beta; minus strand), LOC106099062 (HBB recombination region; plus strand), LOC107133510 (origin of replication at HBB; plus strand). Cytogenetic location: 11p15.4.
Variant type: single nucleotide variant.
Coding change: c.-140C>A on transcript NM_000518.4; 140 bases upstream of the start codon, C replaced by A.
Genome position (GRCh38, 1-based): chr11:5,227,161, G>T on the plus strand (C>A on the coding strand, the complement: HBB is on the minus strand). VCF-style: chr11-5227161-G-T. GRCh37 (hg19) VCF-style: chr11-5248391-G-T.
Identifiers: ClinVar variation 3572124 (VCV003572124.1).